The following is an entry in ClinVar:

NM_000124.4(ERCC6):c.2701T>G (p.Tyr901Asp)

Gene: ERCC6 (ERCC excision repair 6, chromatin remodeling factor; minus strand). Cytogenetic location: 10q11.23.
Variant type: single nucleotide variant.
Coding change: c.2701T>G on transcript NM_000124.4 (MANE Select); coding-DNA position 2701, T replaced by G.
Protein change: p.Tyr901Asp; replaces tyrosine 901 with aspartic acid.
Molecular consequence: missense variant.
Genome position (GRCh38, 1-based): chr10:49,473,485, A>C on the plus strand (T>G on the coding strand, the complement: ERCC6 is on the minus strand). VCF-style: chr10-49473485-A-C. GRCh37 (hg19) VCF-style: chr10-50681531-A-C.
Other names: c.2701T>G, p.Tyr901Asp (NM_001346440.2); short protein forms Y901D.
Identifiers: ClinVar variation 1952830 (VCV001952830.5), dbSNP rs548455303, ClinGen allele CA376719802.

ClinVar aggregate classification (germline): Uncertain significance (1 of 4 stars; one submission).

Submission:

Labcorp Genetics (formerly Invitae), Labcorp
Classification: Uncertain significance. Last evaluated: 2022-07-19. Review status: criteria provided, single submitter. Criteria: Invitae Variant Classification Sherloc (09022015). Collection method: clinical testing. Allele origin: germline.
Comment: In summary, the available evidence is currently insufficient to determine the role of this variant in disease. Therefore, it has been classified as a Variant of Uncertain Significance. Advanced modeling of protein sequence and biophysical properties (such as structural, functional, and spatial information, amino acid conservation, physicochemical variation, residue mobility, and thermodynamic stability) performed at Invitae indicates that this missense variant is expected to disrupt ERCC6 protein function. This variant has not been reported in the literature in individuals affected with ERCC6-related conditions. This variant is not present in population databases (gnomAD no frequency). This sequence change replaces tyrosine, which is neutral and polar, with aspartic acid, which is acidic and polar, at codon 901 of the ERCC6 protein (p.Tyr901Asp).